The following is an entry in ClinVar:

NM_176824.3(BBS7):c.876C>A (p.Ile292=)

Gene: BBS7 (Bardet-Biedl syndrome 7; minus strand). Cytogenetic location: 4q27.
Variant type: single nucleotide variant.
Coding change: c.876C>A on transcript NM_176824.3 (MANE Select); coding-DNA position 876, C replaced by A.
Protein change: p.Ile292=; no amino-acid change (isoleucine 292 retained).
Molecular consequence: synonymous variant.
Genome position (GRCh38, 1-based): chr4:121,848,902, G>T on the plus strand (C>A on the coding strand, the complement: BBS7 is on the minus strand). VCF-style: chr4-121848902-G-T. GRCh37 (hg19) VCF-style: chr4-122770057-G-T.
Other names: c.876C>A (NM_176824.2); c.876C>A, p.Ile292= (NM_018190.4).
Identifiers: ClinVar variation 1114070 (VCV001114070.10), dbSNP rs369319119, ClinGen allele CA104764389.

ClinVar aggregate classification (germline): Conflicting classifications of pathogenicity. Review status: criteria provided, conflicting classifications (1 of 4 stars). 3 submissions from 3 submitters: Uncertain significance (1); Likely benign (1). 1 of the submissions does not count toward it. Last evaluated 2024-10-08.

Conditions:
Bardet-Biedl syndrome (BBS). Identifiers: Orphanet 110, MedGen C0752166, MONDO:0015229.
BBS7-related disorder. Also called: BBS7-related condition.
Bardet-Biedl syndrome 7 (BBS7). Identifiers: Orphanet 110, MedGen C1859565, MONDO:0014435, OMIM 615984.

Allele frequency attached by ClinVar (database versions not stated): gnomAD exomes below 0.00001; gnomAD 0.00001; TOPMed 0.00008.
gnomAD v4.1: 6 of 1,613,706 alleles (0.00037%); highest among the groups gnomAD compares: Admixed American, 0.005%; no homozygotes.

Submissions (3):

Labcorp Genetics (formerly Invitae), Labcorp
Classification: Likely benign for Bardet-Biedl syndrome. Last evaluated: 2024-10-08. Review status: criteria provided, single submitter. Criteria: Invitae Variant Classification Sherloc (09022015). Collection method: clinical testing. Allele origin: germline.

Fulgent Genetics
Classification: Uncertain significance for Bardet-Biedl syndrome 7. Last evaluated: 2024-04-09. Review status: criteria provided, single submitter. Criteria: ACMG Guidelines, 2015. Collection method: clinical testing. Allele origin: germline.

PreventionGenetics, part of Exact Sciences
Classification: Likely benign for BBS7-related condition. Last evaluated: 2021-08-02. Review status: no assertion criteria provided. Collection method: clinical testing. Allele origin: germline. Not counted in ClinVar's aggregate classification.
Comment: This variant is classified as likely benign based on ACMG/AMP sequence variant interpretation guidelines (Richards et al. 2015 PMID: 25741868, with internal and published modifications).